The following is an entry in ClinVar:

NM_000545.6(HNF1A):c.-527C>T

Gene: HNF1A (HNF1 homeobox A; plus strand). Cytogenetic location: 12q24.31.
Variant type: single nucleotide variant.
Coding change: c.-527C>T on transcript NM_000545.6; 527 bases upstream of the start codon, C replaced by T.
Genome position (GRCh38, 1-based): chr12:120,978,242, C>T. VCF-style: chr12-120978242-C-T. GRCh37 (hg19) VCF-style: chr12-121416045-C-T.
Identifiers: ClinVar variation 387364 (VCV000387364.8), dbSNP rs3809315, ClinGen allele CA16606381.

ClinVar aggregate classification (germline): Benign/Likely benign. Review status: criteria provided, multiple submitters, no conflicts (2 of 4 stars). 4 submissions from 4 submitters: Benign (2); Likely benign (2). Last evaluated 2024-10-24.

Conditions:
Maturity-onset diabetes of the young (MODY). Also called: Maturity onset diabetes mellitus in young. Identifiers: Orphanet 552, MedGen C0342276, MONDO:0018911, HP:0004904.

Allele frequency attached by ClinVar (database versions not stated): TOPMed 0.00071; 1000 Genomes Project 0.00260; 1000 Genomes Project 30x 0.00250; gnomAD 0.00115.

Submissions (4):

Blueprint Genetics
Classification: Likely benign. Last evaluated: 2024-10-24. Review status: criteria provided, single submitter. Criteria: ACMG Guidelines, 2015. Collection method: clinical testing. Allele origin: germline.

Genetic Services Laboratory, University of Chicago
Classification: Benign. Last evaluated: 2019-02-26. Review status: criteria provided, single submitter. Criteria: ACMG Guidelines, 2015. Collection method: clinical testing. Allele origin: germline. Affected: no.

GeneDx
Classification: Likely benign. Last evaluated: 2016-06-29. Review status: criteria provided, single submitter. Criteria: GeneDx Variant Classification (06012015). Collection method: clinical testing. Allele origin: germline. Affected: yes.
Comment: This variant is considered likely benign or benign based on one or more of the following criteria: it is a conservative change, it occurs at a poorly conserved position in the protein, it is predicted to be benign by multiple in silico algorithms, and/or has population frequency not consistent with disease.

Clinical Genomics, Uppaluri K&H Personalized Medicine Clinic
Classification: Benign for Maturity-onset diabetes of the young. Review status: criteria provided, single submitter. Criteria: K & H Uppaluri Personalized Medicine Clinic Variant Classification & Assertion Criteria_Updated V.1. Collection method: research. Allele origin: unknown. Inheritance: Autosomal dominant inheritance.
Comment: Mutations in HNF1A gene can predispose to MODY3. It is associated with both micro and macrovascular complications of diabetes, especially cardiovascular complications. Associated with glucosuria. May respond well to sulfonylureas. However, more evidence is required to confer the association of this particular variant rs3809315 with MODY3.

Literature cited by the submitters: PubMed 31517624 (cited by Clinical Genomics, Uppaluri K&H Personalized Medicine Clinic); PubMed 32395877 (cited by Clinical Genomics, Uppaluri K&H Personalized Medicine Clinic); PubMed 35328643 (cited by Clinical Genomics, Uppaluri K&H Personalized Medicine Clinic); PubMed 35673428 (cited by Clinical Genomics, Uppaluri K&H Personalized Medicine Clinic).